The following is an entry in ClinVar:

NM_174936.4(PCSK9):c.1939G>T (p.Ala647Ser)

Gene: PCSK9 (proprotein convertase subtilisin/kexin type 9; plus strand). Cytogenetic location: 1p32.3.
Variant type: single nucleotide variant.
Coding change: c.1939G>T on transcript NM_174936.4 (MANE Select); coding-DNA position 1939, G replaced by T.
Protein change: p.Ala647Ser; replaces alanine 647 with serine.
Molecular consequence: missense variant.
Genome position (GRCh38, 1-based): chr1:55,063,444, G>T. VCF-style: chr1-55063444-G-T. GRCh37 (hg19) VCF-style: chr1-55529117-G-T.
Other names: c.2062G>T, p.Ala688Ser (NM_001407240.1); c.1981G>T, p.Ala661Ser (NM_001407241.1); c.1942G>T, p.Ala648Ser (NM_001407242.1); c.1882G>T, p.Ala628Ser (NM_001407243.1); c.1765G>T, p.Ala589Ser (NM_001407244.1); c.1747G>T, p.Ala583Ser (NM_001407245.1); c.1564G>T, p.Ala522Ser (NM_001407246.1); c.1438G>T, p.Ala480Ser (NM_001407247.1); short protein forms A647S, A583S, A688S, A480S, A522S, A648S, A661S, A589S.
Identifiers: ClinVar variation 927111 (VCV000927111.10), dbSNP rs141438059, ClinGen allele CA039776.
Genomic context (GRCh38, chr1:55,063,444, plus strand): 5'-GAGGAGGGCTGGACCCTGACTGGCTGCAGTGCCCTCCCTGGGACCTCCCACGTCCTGGGG[G>T]CCTACGCCGTAGACAACACGTGTGTAGTCAGGAGCCGGGACGTCAGCACTACAGGCAGCA-3'
Protein context (NP_777596.2, residues 637-657): ALPGTSHVLG[Ala647Ser]YAVDNTCVVR

ClinVar aggregate classification (germline): Uncertain significance. Review status: criteria provided, multiple submitters, no conflicts (2 of 4 stars). 4 submissions from 4 submitters: Uncertain significance (4). Last evaluated 2025-09-30.

Conditions:
Hypercholesterolemia, autosomal dominant, 3 (FHCL3). Also called: PCSK9-Related Familial Hypercholesterolemia, Autosomal Dominant; Familial hypercholesterolemia 3; Familial Hypercholesterolemia, Autosomal Dominant, 3. Identifiers: MedGen C1863551, MONDO:0011369, OMIM 603776.
Familial hypercholesterolemia. Also called: Familial hypercholesterolaemia; Familial hypercholesterolemias. Identifiers: MedGen C0020445, MONDO:0005439.
Cardiovascular phenotype. Identifiers: MedGen CN230736.

Allele frequency attached by ClinVar (database versions not stated): ExAC 0.00001; gnomAD 0.00001; TOPMed 0.00001; gnomAD exomes 0.00002; ESP Exome Variant Server 0.00008.
gnomAD v4.1: 26 of 1,613,926 alleles (0.0016%); highest among the groups gnomAD compares: Non-Finnish European, 0.0022%; no homozygotes.

Submissions (4):

Women's Health and Genetics/Laboratory Corporation of America, LabCorp
Classification: Uncertain significance. Last evaluated: 2025-09-30. Review status: criteria provided, single submitter. Criteria: LabCorp Variant Classification Summary - May 2015. Collection method: clinical testing. Allele origin: germline.

All of Us Research Program, National Institutes of Health
Classification: Uncertain significance for Hypercholesterolemia, autosomal dominant, 3. Last evaluated: 2024-09-16. Review status: criteria provided, single submitter. Criteria: ACMG Guidelines, 2015. Collection method: clinical testing. Allele origin: germline. Inheritance: Autosomal dominant inheritance. Observed: 8 variant alleles, 8 heterozygotes.
Comment: This missense variant replaces alanine with serine at codon 647 of the PCSK9 protein. Computational prediction suggests that this variant may not impact protein structure and function (internally defined REVEL score threshold <= 0.5, PMID: 27666373). To our knowledge, functional studies have not been reported for this variant. This variant has not been reported in individuals affected with familial hypercholesterolemia in the literature. This variant has been identified in 4/250128 chromosomes in the general population by the Genome Aggregation Database (gnomAD). The available evidence is insufficient to determine the role of this variant in disease conclusively. Therefore, this variant is classified as a Variant of Uncertain Significance.

This study involves interpretation of variants in research participants for the purpose of population health screening. Participant phenotype was not available at the time of variant classification. Additional details can be found in publication PMID: 35346344, PMCID: PMC8962531

Ambry Genetics
Classification: Uncertain significance for Cardiovascular phenotype. Last evaluated: 2024-06-23. Review status: criteria provided, single submitter. Criteria: Ambry Variant Classification Scheme 2023. Collection method: clinical testing. Allele origin: germline.
Comment: The p.A647S variant (also known as c.1939G>T), located in coding exon 12 of the PCSK9 gene, results from a G to T substitution at nucleotide position 1939. The alanine at codon 647 is replaced by serine, an amino acid with similar properties. This amino acid position is conserved. In addition, this alteration is predicted to be tolerated by in silico analysis. Based on the available evidence, the clinical significance of this variant remains unclear.

Color Diagnostics, LLC DBA Color Health
Classification: Uncertain significance for Familial hypercholesterolemia. Last evaluated: 2024-03-06. Review status: criteria provided, single submitter. Criteria: ACMG Guidelines, 2015. Collection method: clinical testing. Allele origin: germline.
Comment: This missense variant replaces alanine with serine at codon 647 of the PCSK9 protein. Computational prediction suggests that this variant may not impact protein structure and function (internally defined REVEL score threshold <= 0.5, PMID: 27666373). To our knowledge, functional studies have not been reported for this variant. This variant has not been reported in individuals affected with PCSK9-related disorders in the literature. This variant has been identified in 4/250128 chromosomes in the general population by the Genome Aggregation Database (gnomAD). The available evidence is insufficient to determine the role of this variant in disease conclusively. Therefore, this variant is classified as a Variant of Uncertain Significance.